The following is an entry in ClinVar:

NM_001177701.3(IFT27):c.275C>T (p.Thr92Ile)

Genes: CACNG2-DT (CACNG2 divergent transcript; plus strand), IFT27 (intraflagellar transport 27; minus strand). Cytogenetic location: 22q12.3.
Variant type: single nucleotide variant.
Coding change: c.275C>T on transcript NM_001177701.3 (MANE Select); coding-DNA position 275, C replaced by T.
Protein change: p.Thr92Ile; replaces threonine 92 with isoleucine.
Molecular consequence: missense variant.
Genome position (GRCh38, 1-based): chr22:36,763,996, G>A on the plus strand (C>T on the coding strand, the complement: IFT27 is on the minus strand). VCF-style: chr22-36763996-G-A. GRCh37 (hg19) VCF-style: chr22-37160040-G-A.
Other names: c.275C>T, p.Thr92Ile (NM_001363003.2); c.272C>T, p.Thr91Ile (NM_006860.5); short protein forms T92I, T91I.
Identifiers: ClinVar variation 2110976 (VCV002110976.2), dbSNP rs762636530, ClinGen allele CA10212418.

ClinVar aggregate classification (germline): Uncertain significance (1 of 4 stars; one submission).

Allele frequency attached by ClinVar (database versions not stated): ExAC 0.00001; gnomAD exomes 0.00001.
gnomAD v4.1: 3 of 1,614,188 alleles (0.00019%); highest among the groups gnomAD compares: Admixed American, 0.0017%; no homozygotes.

Submission:

Labcorp Genetics (formerly Invitae), Labcorp
Classification: Uncertain significance. Last evaluated: 2022-10-25. Review status: criteria provided, single submitter. Criteria: Invitae Variant Classification Sherloc (09022015). Collection method: clinical testing. Allele origin: germline.
Comment: In summary, the available evidence is currently insufficient to determine the role of this variant in disease. Therefore, it has been classified as a Variant of Uncertain Significance. Advanced modeling of protein sequence and biophysical properties (such as structural, functional, and spatial information, amino acid conservation, physicochemical variation, residue mobility, and thermodynamic stability) performed at Invitae indicates that this missense variant is expected to disrupt IFT27 protein function. This variant has not been reported in the literature in individuals affected with IFT27-related conditions. This variant is present in population databases (rs762636530, gnomAD 0.003%). This sequence change replaces threonine, which is neutral and polar, with isoleucine, which is neutral and non-polar, at codon 91 of the IFT27 protein (p.Thr91Ile).